The following is an entry in ClinVar:

NM_004820.5(CYP7B1):c.1322C>T (p.Pro441Leu)

Gene: CYP7B1 (cytochrome P450 family 7 subfamily B member 1; minus strand). Cytogenetic location: 8q12.3.
Variant type: single nucleotide variant.
Coding change: c.1322C>T on transcript NM_004820.5 (MANE Select); coding-DNA position 1322, C replaced by T.
Protein change: p.Pro441Leu; replaces proline 441 with leucine.
Molecular consequence: missense variant. On other transcripts: intron variant (1).
Genome position (GRCh38, 1-based): chr8:64,596,841, G>A on the plus strand (C>T on the coding strand, the complement: CYP7B1 is on the minus strand). VCF-style: chr8-64596841-G-A. GRCh37 (hg19) VCF-style: chr8-65509398-G-A.
Other names: c.1234-6997C>T (NM_001324112.2); c.1322C>T (NM_004820.4); short protein forms P441L.
Identifiers: ClinVar variation 800518 (VCV000800518.7), dbSNP rs1376071051, ClinGen allele CA371333426.

ClinVar aggregate classification (germline): Conflicting classifications of pathogenicity. Review status: criteria provided, conflicting classifications (1 of 4 stars). 4 submissions from 4 submitters: Pathogenic (1); Likely pathogenic (1); Uncertain significance (1). 1 of the submissions does not count toward it. Last evaluated 2025-09-15.

Conditions:
CYP7B1-related disorder. Also called: CYP7B1-related condition.
Spastic paraplegia. Identifiers: MedGen C0037772, HP:0001258.
Hereditary spastic paraplegia. Also called: Familial spastic paraparesis. Identifiers: Orphanet 685, MedGen C0037773, MONDO:0019064. Disease mechanism: loss of function.
Hereditary spastic paraplegia 5A (SPG5A). Also called: SPASTIC PARAPLEGIA 5A, AUTOSOMAL RECESSIVE. Identifiers: Orphanet 100986, MedGen C1849115, MONDO:0010047, OMIM 270800.

Allele frequency attached by ClinVar (database versions not stated): gnomAD exomes below 0.00001; gnomAD 0.00001.
gnomAD v4.1: 7 of 1,613,898 alleles (0.00043%); highest among the groups gnomAD compares: East Asian, 0.0022%; no homozygotes.

Submissions (4):

Labcorp Genetics (formerly Invitae), Labcorp
Classification: Pathogenic for Spastic paraplegia. Last evaluated: 2025-09-15. Review status: criteria provided, single submitter. Criteria: Invitae Variant Classification Sherloc (09022015). Collection method: clinical testing. Allele origin: germline.
Comment: This sequence change replaces proline, which is neutral and non-polar, with leucine, which is neutral and non-polar, at codon 441 of the CYP7B1 protein (p.Pro441Leu). This variant is present in population databases (no rsID available, gnomAD 0.007%). This missense change has been observed in individuals with hereditary spastic paraplegia (PMID: 26374131, 27084228, 33160247). ClinVar contains an entry for this variant (Variation ID: 800518). Invitae Evidence Modeling of protein sequence and biophysical properties (such as structural, functional, and spatial information, amino acid conservation, physicochemical variation, residue mobility, and thermodynamic stability) indicates that this missense variant is expected to disrupt CYP7B1 protein function with a positive predictive value of 95%. For these reasons, this variant has been classified as Pathogenic.

Women's Health and Genetics/Laboratory Corporation of America, LabCorp
Classification: Likely pathogenic for Hereditary spastic paraplegia. Last evaluated: 2024-12-04. Review status: criteria provided, single submitter. Criteria: LabCorp Variant Classification Summary - May 2015. Collection method: clinical testing. Allele origin: germline.
Comment: Variant summary: CYP7B1 c.1322C>T (p.Pro441Leu) results in a non-conservative amino acid change located in the Cytochrome P450 domain (IPR001128) of the encoded protein sequence. Five of five in-silico tools predict a damaging effect of the variant on protein function. The variant allele was found at a frequency of 4e-06 in 251318 control chromosomes. c.1322C>T has been reported in the literature in individuals affected with Hereditary Spastic Paraplegia, Type 5a (Balicza_2016, Lynch_2016, Prestsater_2020). These data indicate that the variant is likely to be associated with disease. To our knowledge, no experimental evidence demonstrating an impact on protein function has been reported. The following publications have been ascertained in the context of this evaluation (PMID: 27084228, 26374131, 33160247). ClinVar contains an entry for this variant (Variation ID: 800518). Based on the evidence outlined above, the variant was classified as likely pathogenic.

Broad Center for Mendelian Genomics, Broad Institute of MIT and Harvard
Classification: Uncertain significance for Hereditary spastic paraplegia 5A. Last evaluated: 2018-11-15. Review status: criteria provided, single submitter. Criteria: ACMG Guidelines, 2015. Collection method: research. Allele origin: germline. Inheritance: Autosomal recessive inheritance. Affected: yes.
Comment: The homozygous p.Pro441Leu variant in CYP7B1 was identified by our study in two siblings with Spastic Paraplegia. This variant has been identified in <0.01% (1/15008) of European (Non-Finnish) chromosomes by the Genome Aggregation Database (gnomAD). Although this variant has been seen in the general population, its frequency is low enough to be consistent with a recessive carrier frequency. Computational prediction tools and conservation analyses suggest that this variant may impact the protein, though this information is not predictive enough to determine pathogenicity. In summary, the clinical significance of the p.Pro441Leu variant is uncertain.

PreventionGenetics, part of Exact Sciences
Classification: Uncertain significance for CYP7B1-related condition. Last evaluated: 2024-03-06. Review status: no assertion criteria provided. Collection method: clinical testing. Allele origin: germline. Not counted in ClinVar's aggregate classification.
Comment: The CYP7B1 c.1322C>T variant is predicted to result in the amino acid substitution p.Pro441Leu. This variant has been reported in the homozygous state in an individual with hereditary spastic paraplegia (Lynch et al. 2016. PubMed ID: 26374131). This variant is reported in 0.0015% of alleles in individuals of European (Non-Finnish) descent in gnomAD. Although we suspect that this variant may be pathogenic, at this time, the clinical significance of this variant is uncertain due to the absence of conclusive functional and genetic evidence.

Literature cited by the submitters: PubMed 26374131 (cited by 3 submitters); PubMed 27084228 (cited by Labcorp Genetics (formerly Invitae), Labcorp and Women's Health and Genetics/Laboratory Corporation of America, LabCorp); PubMed 33160247 (cited by Labcorp Genetics (formerly Invitae), Labcorp and Women's Health and Genetics/Laboratory Corporation of America, LabCorp).